The following is an entry in ClinVar:

ClinVar aggregate classification (germline): Uncertain significance (1 of 4 stars; one submission).

Submission:

Labcorp Genetics (formerly Invitae), Labcorp
Classification: Uncertain significance. Last evaluated: 2022-02-19. Review status: criteria provided, single submitter. Criteria: Invitae Variant Classification Sherloc (09022015). Collection method: clinical testing. Allele origin: germline.
Comment: In summary, the available evidence is currently insufficient to determine the role of this variant in disease. Therefore, it has been classified as a Variant of Uncertain Significance. Advanced modeling of protein sequence and biophysical properties (such as structural, functional, and spatial information, amino acid conservation, physicochemical variation, residue mobility, and thermodynamic stability) performed at Invitae indicates that this missense variant is expected to disrupt KCNV2 protein function. This variant has not been reported in the literature in individuals affected with KCNV2-related conditions. This variant is not present in population databases (gnomAD no frequency). This sequence change replaces isoleucine, which is neutral and non-polar, with threonine, which is neutral and polar, at codon 444 of the KCNV2 protein (p.Ile444Thr).

NM_133497.4(KCNV2):c.1331T>C (p.Ile444Thr)

Gene: KCNV2 (potassium voltage-gated channel modifier subfamily V member 2; plus strand). Cytogenetic location: 9p24.2.
Variant type: single nucleotide variant.
Coding change: c.1331T>C on transcript NM_133497.4 (MANE Select); coding-DNA position 1331, T replaced by C.
Protein change: p.Ile444Thr; replaces isoleucine 444 with threonine.
Molecular consequence: missense variant.
Genome position (GRCh38, 1-based): chr9:2,719,070, T>C. VCF-style: chr9-2719070-T-C. GRCh37 (hg19) VCF-style: chr9-2719070-T-C.
Other names: short protein forms I444T.
Identifiers: ClinVar variation 2099657 (VCV002099657.4), dbSNP rs2536974486, ClinGen allele CA372802741.
Genomic context (GRCh38, chr9:2,719,070, plus strand): 5'-CTTTCTCTGCGGCTGTCTACTCTGTGGAGCACGATGTGCCCAGCACCAACTTCACTACCA[T>C]CCCCCACTCCTGGTGGTGGGCCGCGGTGAGTACCTTTGCCCTGGGCTTTCCCATCCTCTT-3'
Protein context (NP_598004.1, residues 434-454): HDVPSTNFTT[Ile444Thr]PHSWWWAAVS